The following is an entry in ClinVar:

ClinVar aggregate classification (germline): Uncertain significance (1 of 4 stars; one submission).

Submission:

GeneDx
Classification: Uncertain significance. Last evaluated: 2024-10-10. Review status: criteria provided, single submitter. Criteria: GeneDx Variant Classification Process June 2021. Collection method: clinical testing. Allele origin: germline. Affected: yes.
Comment: Not observed at significant frequency in large population cohorts (gnomAD); In silico analysis supports a deleterious effect on protein structure/function; Has not been previously published as pathogenic or benign to our knowledge; In silico analysis is inconclusive as to whether the variant alters gene splicing. In the absence of RNA/functional studies, the actual effect of this sequence change is unknown.

NM_006593.4(TBR1):c.618_619inv (p.Tyr207His)

Gene: TBR1 (T-box brain transcription factor 1; plus strand). Cytogenetic location: 2q24.2.
Variant type: Inversion.
Coding change: c.618_619inv on transcript NM_006593.4 (MANE Select).
Protein change: p.Tyr207His; replaces tyrosine 207 with histidine.
Molecular consequence: missense variant.
Genome position: GRCh38 VCF-style: chr2-161417028-GT-AC. GRCh37 (hg19) VCF-style: chr2-162273539-GT-AC.
Other names: short protein forms Y207H.
Identifiers: ClinVar variation 3777685 (VCV003777685.1).